The following is an entry in ClinVar:

GRCh38/hg38 9p24.3-13.3(chr9:204193-33284638)x3

Genes: LRRC19 (leucine rich repeat containing 19; minus strand), LURAP1L (leucine rich adaptor protein 1 like; plus strand), LURAP1L-AS1 (LURAP1L antisense RNA 1; minus strand), MAHAC (maintenance of histone H4K5 acetylation associated lncRNA; plus strand), MIR101-2 (microRNA 101-2; plus strand) and 540 more. Cytogenetic location: 9p24.3-13.3.
Variant type: copy number gain.
Change: copy number 3 (three copies instead of two) of chr9:204,193-33,284,638 (33.08 Mb, GRCh38 coordinates, 1-based), cytogenetic band 9p24.3-13.3.
Identifiers: ClinVar variation 59839 (VCV000059839.1).

ClinVar aggregate classification (germline): Pathogenic (1 of 4 stars; one submission).

Submission:

ISCA site 17
Classification: Pathogenic. Last evaluated: 2011-08-12. Review status: criteria provided, single submitter. Criteria: Kaminsky et al. (Genet Med. 2011). Collection method: clinical testing. Allele origin: paternal. Affected: yes. Observed: 1 variant allele.
Comment: Copy number variation identified through the course of routine clinical cytogenomic testing in postnatal populations. Clinical assertions have been curated as described in Kaminsky et al. 2011.